The following is an entry in ClinVar:

NM_000551.4(VHL):c.*2600T>A

Genes: VHL (von Hippel-Lindau tumor suppressor; plus strand), LOC107303340 (3p25 von Hippel-Lindau tumor suppressor, E3 ubiquitin protein ligase Alu-mediated recombination region; plus strand). Cytogenetic location: 3p25.3.
Variant type: single nucleotide variant.
Coding change: c.*2600T>A on transcript NM_000551.4 (MANE Select); 2600 bases downstream of the stop codon, T replaced by A.
Molecular consequence: 3 prime UTR variant.
Genome position (GRCh38, 1-based): chr3:10,152,565, T>A. VCF-style: chr3-10152565-T-A. GRCh37 (hg19) VCF-style: chr3-10194249-T-A.
Other names: c.*2796T>A (NM_001354723.2); c.*2600T>A (NM_198156.3).
Identifiers: ClinVar variation 342479 (VCV000342479.5), dbSNP rs142728549, ClinGen allele CA10614868.

ClinVar aggregate classification (germline): Benign (1 of 4 stars; one submission).

Conditions:
Von Hippel-Lindau syndrome (VHLS). Also called: Von Hippel-Lindau; von Hippel–Lindau syndrome; VHL syndrome. Identifiers: Orphanet 892, MedGen C0019562, MONDO:0008667, OMIM 193300. Disease mechanism: loss of function.

Allele frequency attached by ClinVar (database versions not stated): gnomAD 0.06248 and 0.06397; 1000 Genomes Project 0.04712; 1000 Genomes Project 30x 0.04997; TOPMed 0.06445.
gnomAD v4.1: 8,197 of 128,224 alleles (6.4%); highest among the groups gnomAD compares: Admixed American, 20%; 402 homozygotes.

Submission:

Illumina Laboratory Services, Illumina
Classification: Benign for Von Hippel-Lindau syndrome. Last evaluated: 2018-01-13. Review status: criteria provided, single submitter. Criteria: ICSL Variant Classification Criteria 13 December 2019. Collection method: clinical testing. Allele origin: germline.
Comment: This variant was observed in the ICSL laboratory as part of a predisposition screen in an ostensibly healthy population. It had not been previously curated by ICSL or reported in the Human Gene Mutation Database (HGMD: prior to June 1st, 2018), and was therefore a candidate for classification through an automated scoring system. Utilizing variant allele frequency, disease prevalence and penetrance estimates, and inheritance mode, an automated score was calculated to assess if this variant is too frequent to cause the disease. Based on the score and internal cut-off values, a variant classified as benign is not then subjected to further curation. The score for this variant resulted in a classification of benign for this disease.